The following is an entry in ClinVar:

NM_000293.3(PHKB):c.1045_1049dup (p.Lys351fs)

Gene: PHKB (phosphorylase kinase regulatory subunit beta; plus strand). Cytogenetic location: 16q12.1.
Variant type: Duplication.
Coding change: c.1045_1049dup on transcript NM_000293.3 (MANE Select); coding-DNA positions 1045 to 1049, 5 bases duplicated (TACTA; older notation c.1045_1049dupTACTA).
Protein change: p.Lys351fs; shifts the reading frame from lysine 351.
Molecular consequence: frameshift variant.
Genome position (GRCh38, 1-based): chr16:47,589,079-47,589,083, TACTA duplicated. VCF-style (leftmost placement, unchanged base first): chr16-47589078-C-CTACTA. GRCh37 (hg19) VCF-style: chr16-47622989-C-CTACTA.
Other names: c.1024_1028dup, p.Lys344fs (NM_001031835.3); c.1045_1049dup, p.Lys351fs (NM_001363837.1); short protein forms K351fs, K344fs.
Identifiers: ClinVar variation 2834414 (VCV002834414.3), dbSNP rs2506378006, ClinGen allele CA2739266752.

ClinVar aggregate classification (germline): Pathogenic (1 of 4 stars; one submission).

Conditions:
Glycogen storage disease IXb (GSD9B). Also called: PHOSPHORYLASE KINASE DEFICIENCY OF LIVER AND MUSCLE, AUTOSOMAL RECESSIVE; GLYCOGENOSIS OF LIVER AND MUSCLE, AUTOSOMAL RECESSIVE; GSD IXb. Identifiers: Orphanet 79240, MedGen C0543514, MONDO:0009868, OMIM 261750.

Submission:

Labcorp Genetics (formerly Invitae), Labcorp
Classification: Pathogenic for Glycogen storage disease IXb. Last evaluated: 2023-02-04. Review status: criteria provided, single submitter. Criteria: Invitae Variant Classification Sherloc (09022015). Collection method: clinical testing. Allele origin: germline.
Comment: This variant has not been reported in the literature in individuals affected with PHKB-related conditions. For these reasons, this variant has been classified as Pathogenic. This sequence change creates a premature translational stop signal (p.Lys351Thrfs*24) in the PHKB gene. It is expected to result in an absent or disrupted protein product. Loss-of-function variants in PHKB are known to be pathogenic (PMID: 9215682, 9326319). This variant is not present in population databases (gnomAD no frequency).

Literature cited by the submitters: PubMed 9215682; PubMed 9326319.